The following is an entry in ClinVar:

ClinVar aggregate classification (germline): Pathogenic. Review status: criteria provided, multiple submitters, no conflicts (2 of 4 stars). 3 submissions from 3 submitters: Pathogenic (2). 1 of the submissions does not count toward it. Last evaluated 2024-10-16.

Conditions:
PURA-related severe neonatal hypotonia-seizures-encephalopathy syndrome (NEDRIHF). Also called: PURA-Related Neurodevelopmental Disorders; NEURODEVELOPMENTAL DISORDER WITH NEONATAL RESPIRATORY INSUFFICIENCY, HYPOTONIA, AND FEEDING DIFFICULTIES. Identifiers: Orphanet 438213, Orphanet 438216, MedGen C4015357, MONDO:1060108, OMIM 616158, MONDO:0018580.
Global developmental delay (DD). Also called: Cognitive delay. Identifiers: MedGen C0557874, HP:0001263. Disease mechanism: loss of function.
Delayed speech and language development. Also called: Language delay. Identifiers: MedGen C0454644, HP:0000750.
Seizure. Also called: Seizures. Identifiers: MedGen C0036572, HP:0001250.
Neonatal hypotonia. Identifiers: MedGen C2267233, HP:0001319.
Intellectual disability. Also called: Intellectual developmental disorder; Intellectual functioning disability; intellectual disabilities. Identifiers: MedGen C3714756, MeSH D008607, MONDO:0001071, HP:0001249.

Submissions (3):

Labcorp Genetics (formerly Invitae), Labcorp
Classification: Pathogenic for PURA-related severe neonatal hypotonia-seizures-encephalopathy syndrome. Last evaluated: 2024-10-16. Review status: criteria provided, single submitter. Criteria: Invitae Variant Classification Sherloc (09022015). Collection method: clinical testing. Allele origin: germline.
Comment: This sequence change replaces alanine, which is neutral and non-polar, with proline, which is neutral and non-polar, at codon 89 of the PURA protein (p.Ala89Pro). This variant is not present in population databases (gnomAD no frequency). This missense change has been observed in individual(s) with clinical features of PURA syndrome (PMID: 25439098). In at least one individual the variant was observed to be de novo. ClinVar contains an entry for this variant (Variation ID: 156411). Invitae Evidence Modeling of protein sequence and biophysical properties (such as structural, functional, and spatial information, amino acid conservation, physicochemical variation, residue mobility, and thermodynamic stability) indicates that this missense variant is expected to disrupt PURA protein function with a positive predictive value of 95%. For these reasons, this variant has been classified as Pathogenic.

GeneDx
Classification: Pathogenic. Last evaluated: 2024-03-18. Review status: criteria provided, single submitter. Criteria: GeneDx Variant Classification Process June 2021. Collection method: clinical testing. Allele origin: germline. Affected: yes.
Comment: Not observed at significant frequency in large population cohorts (gnomAD); In silico analysis supports that this missense variant has a deleterious effect on protein structure/function; This variant is associated with the following publications: (PMID: 33633953, 27148565, 25439098)

Whole genome laboratory; Baylor College of Medicine
Classification: Pathogenic for Neonatal hypotonia; Delayed speech and language development; Intellectual disability; Global developmental delay; Seizures. Last evaluated: 2014-09-15. Review status: no assertion criteria provided. Collection method: clinical testing. Allele origin: germline. Affected: yes. Observed: 1 variant allele. Study: Clinical exome sequencing test. Not counted in ClinVar's aggregate classification.
Comment: Sporadic neonatal hypotonia, developmental delay, speech impairment, sleep apnea, and intellectual disability

Literature cited by the submitters: PubMed 25439098 (cited by Labcorp Genetics (formerly Invitae), Labcorp).

NM_005859.5(PURA):c.265G>C (p.Ala89Pro)

Gene: PURA (purine rich element binding protein A; plus strand). Cytogenetic location: 5q31.3.
Variant type: single nucleotide variant.
Coding change: c.265G>C on transcript NM_005859.5 (MANE Select); coding-DNA position 265, G replaced by C.
Protein change: p.Ala89Pro; replaces alanine 89 with proline.
Molecular consequence: missense variant.
Genome position (GRCh38, 1-based): chr5:140,114,446, G>C. VCF-style: chr5-140114446-G-C. GRCh37 (hg19) VCF-style: chr5-139494031-G-C.
Other names: short protein forms A89P.
Identifiers: ClinVar variation 156411 (VCV000156411.5), dbSNP rs587782999, ClinGen allele CA249901.